The following is an entry in ClinVar:

NM_006767.4(LZTR1):c.1478C>A (p.Pro493His)

Gene: LZTR1 (leucine zipper like post translational regulator 1; plus strand). Cytogenetic location: 22q11.21.
Variant type: single nucleotide variant.
Coding change: c.1478C>A on transcript NM_006767.4 (MANE Select); coding-DNA position 1478, C replaced by A.
Protein change: p.Pro493His; replaces proline 493 with histidine.
Molecular consequence: missense variant.
Genome position (GRCh38, 1-based): chr22:20,994,132, C>A. VCF-style: chr22-20994132-C-A. GRCh37 (hg19) VCF-style: chr22-21348421-C-A.
Other names: short protein forms P493H.
Identifiers: ClinVar variation 1390438 (VCV001390438.10), dbSNP rs2147967251, ClinGen allele CA410775552.
Genomic context (GRCh38, chr22:20,994,132, plus strand): 5'-TGGGGTGTCCTTGAGCTCCCTTCTCCCCACAGAAGCTGGAGCAGGAGGCCGCCCCAGTTC[C>A]CAGGGAGGCCCCCGGCGTGGCTGCTGGTGGGGCCCGGCCGCCCCTGCTGCACGTGGCCAT-3'
Protein context (NP_006758.2, residues 483-503): QKLEQEAAPV[Pro493His]REAPGVAAGG

ClinVar aggregate classification (germline): Uncertain significance. Review status: criteria provided, multiple submitters, no conflicts (2 of 4 stars). 2 submissions from 2 submitters: Uncertain significance (2). Last evaluated 2022-09-01.

Conditions:
Cardiovascular phenotype. Identifiers: MedGen CN230736.
Hereditary cancer-predisposing syndrome. Also called: Neoplastic Syndromes, Hereditary; Tumor predisposition; Hereditary neoplastic syndrome; Hereditary Cancer Syndrome. Identifiers: Orphanet 140162, MedGen C0027672, MeSH D009386, MONDO:0015356.

gnomAD v4.1: 1 of 1,588,404 alleles (0.000063%); highest among the groups gnomAD compares: Non-Finnish European, 0.000086%; no homozygotes.

Submissions (2):

Ambry Genetics
Classification: Uncertain significance for Cardiovascular phenotype; Hereditary cancer-predisposing syndrome. Last evaluated: 2022-09-01. Review status: criteria provided, single submitter. Criteria: Ambry Variant Classification Scheme 2023. Collection method: clinical testing. Allele origin: germline.
Comment: The p.P493H variant (also known as c.1478C>A), located in coding exon 14 of the LZTR1 gene, results from a C to A substitution at nucleotide position 1478. The proline at codon 493 is replaced by histidine, an amino acid with similar properties. This amino acid position is conserved. In addition, this alteration is predicted to be tolerated by in silico analysis. Since supporting evidence is limited at this time, the clinical significance of this alteration remains unclear.

Labcorp Genetics (formerly Invitae), Labcorp
Classification: Uncertain significance. Last evaluated: 2021-06-14. Review status: criteria provided, single submitter. Criteria: Invitae Variant Classification Sherloc (09022015). Collection method: clinical testing. Allele origin: germline.
Comment: This sequence change replaces proline with histidine at codon 493 of the LZTR1 protein (p.Pro493His). The proline residue is moderately conserved and there is a moderate physicochemical difference between proline and histidine. This variant is not present in population databases (ExAC no frequency). This variant has not been reported in the literature in individuals with LZTR1-related conditions. Algorithms developed to predict the effect of missense changes on protein structure and function (SIFT, PolyPhen-2, Align-GVGD) all suggest that this variant is likely to be tolerated, but these predictions have not been confirmed by published functional studies and their clinical significance is uncertain. In summary, the available evidence is currently insufficient to determine the role of this variant in disease. Therefore, it has been classified as a Variant of Uncertain Significance.